The following is an entry in ClinVar:

ClinVar aggregate classification (germline): Conflicting classifications of pathogenicity. Review status: criteria provided, conflicting classifications (1 of 4 stars). 13 submissions from 13 submitters: Uncertain significance (10); Likely benign (1). 2 of the submissions do not count toward it. Last evaluated 2026-08-06.

Conditions:
ATM-related disorder. Also called: ATM-related disorders; ATM-related condition.
Hereditary cancer-predisposing syndrome. Also called: Tumor predisposition; Hereditary neoplastic syndrome; Neoplastic Syndromes, Hereditary; Hereditary Cancer Syndrome. Identifiers: Orphanet 140162, MedGen C0027672, MeSH D009386, MONDO:0015356.
Familial cancer of breast. Also called: hereditary breast carcinoma; Hereditary breast cancer; BREAST CANCER, FAMILIAL. Identifiers: Orphanet 227535, MedGen C0346153, MONDO:0016419, OMIM 114480. Disease mechanism: loss of function.
Ataxia-telangiectasia syndrome (AT). Also called: Ataxia-telangiectasia, complementation group D; AT, COMPLEMENTATION GROUP C; ATAXIA-TELANGIECTASIA, COMPLEMENTATION GROUP A; ATAXIA-TELANGIECTASIA, FRESNO VARIANT; Ataxia-telangiectasia; Ataxia telangiectasia (A-T). Identifiers: Orphanet 100, MedGen C0004135, MONDO:0008840, OMIM 208900.

Allele frequency attached by ClinVar (database versions not stated): ExAC 0.00002; TOPMed 0.00009; gnomAD 0.00011 and 0.00012; ESP Exome Variant Server 0.00015; gnomAD exomes 0.00001 and 0.00002.
gnomAD v4.1: 29 of 1,613,638 alleles (0.0018%); highest among the groups gnomAD compares: African/African-American, 0.039%; no homozygotes.

Submissions (13):

OLLIN Analises Genomicas, OLLIN
Classification: Uncertain significance for Familial cancer of breast. Last evaluated: 2026-08-06. Review status: criteria provided, single submitter. Criteria: ACMG Guidelines 2015 PMID 25741868. Collection method: clinical testing. Allele origin: germline. Inheritance: Autosomal recessive inheritance.
Comment: This missense variant, located in exon 30 (of 63), has been reported in ClinVar (accession VCV000143012.38) and in gnomAD with an allele frequency of 0.0018%. However, to our knowledge, it has not been reported in the scientific literature. In silico analysis predicts that this variant has a tolerated effect. According to the currently available evidence, this variant has been classified as uncertain significance (BP4).

Labcorp Genetics (formerly Invitae), Labcorp
Classification: Uncertain significance for Ataxia-telangiectasia syndrome. Last evaluated: 2025-12-22. Review status: criteria provided, single submitter. Criteria: Invitae Variant Classification Sherloc (09022015). Collection method: clinical testing. Allele origin: germline.
Comment: This sequence change replaces leucine, which is neutral and non-polar, with phenylalanine, which is neutral and non-polar, at codon 1493 of the ATM protein (p.Leu1493Phe). This variant is present in population databases (rs377595814, gnomAD 0.03%). This missense change has been observed in individual(s) with breast cancer (PMID: 35534704). ClinVar contains an entry for this variant (Variation ID: 143012). Invitae Evidence Modeling of protein sequence and biophysical properties (such as structural, functional, and spatial information, amino acid conservation, physicochemical variation, residue mobility, and thermodynamic stability) indicates that this missense variant is not expected to disrupt ATM protein function with a negative predictive value of 95%. In summary, the available evidence is currently insufficient to determine the role of this variant in disease. Therefore, it has been classified as a Variant of Uncertain Significance.

Myriad Genetics, Inc.
Classification: Likely benign for Familial cancer of breast. Last evaluated: 2025-11-17. Review status: criteria provided, single submitter. Criteria: Myriad Autosomal Dominant, Autosomal Recessive and X-Linked Classification Criteria (2023). Collection method: clinical testing. Allele origin: unknown.
Comment: This variant is considered likely benign. This variant is strongly associated with less severe personal and family histories of cancer, typical for individuals without pathogenic variants in this gene [PMID: 25085752].

GeneDx
Classification: Uncertain significance. Last evaluated: 2025-10-13. Review status: criteria provided, single submitter. Criteria: GeneDx Variant Classification Process June 2021. Collection method: clinical testing. Allele origin: germline. Affected: yes.
Comment: In silico analysis suggests that this missense variant does not alter protein structure/function; This variant is associated with the following publications: (PMID: 35534704)

PreventionGenetics, part of Exact Sciences
Classification: Uncertain significance for ATM-related condition. Last evaluated: 2025-06-19. Review status: criteria provided, single submitter. Criteria: ACMG Guidelines, 2015. Collection method: clinical testing. Allele origin: germline.
Comment: The ATM c.4477C>T variant is predicted to result in the amino acid substitution p.Leu1493Phe. This variant has been reported in the literature in an individual with breast cancer (de Oliveira et al. 2022. PubMed ID: 35534704). This variant is reported in 0.032% of alleles in individuals of African descent in gnomAD and is interpreted as uncertain significance in ClinVar. At this time, the clinical significance of this variant is uncertain due to the absence of conclusive functional and genetic evidence.

Ambry Genetics
Classification: Uncertain significance for Hereditary cancer-predisposing syndrome. Last evaluated: 2025-03-10. Review status: criteria provided, single submitter. Criteria: Ambry Variant Classification Scheme 2023. Collection method: clinical testing. Allele origin: germline.
Comment: The p.L1493F variant (also known as c.4477C>T), located in coding exon 29 of the ATM gene, results from a C to T substitution at nucleotide position 4477. The leucine at codon 1493 is replaced by phenylalanine, an amino acid with highly similar properties. This amino acid position is highly conserved in available vertebrate species. In addition, the in silico prediction for this alteration is inconclusive. Based on the available evidence, the clinical significance of this variant remains unclear.

Baylor Genetics
Classification: Uncertain significance for Familial cancer of breast. Last evaluated: 2024-03-11. Review status: criteria provided, single submitter. Criteria: ACMG Guidelines, 2015. Collection method: clinical testing. Allele origin: unknown.

Color Diagnostics, LLC DBA Color Health
Classification: Uncertain significance for Hereditary cancer-predisposing syndrome. Last evaluated: 2024-03-06. Review status: criteria provided, single submitter. Criteria: ACMG Guidelines, 2015. Collection method: clinical testing. Allele origin: germline.
Comment: This missense variant replaces leucine with phenylalanine at codon 1493 of the ATM protein. Computational prediction suggests that this variant may not impact protein structure and function (internally defined REVEL score threshold <= 0.5, PMID: 27666373). To our knowledge, functional studies have not been reported for this variant. This variant has not been reported in individuals affected with hereditary cancer in the literature. This variant has been identified in 8/282666 chromosomes in the general population by the Genome Aggregation Database (gnomAD). The available evidence is insufficient to determine the role of this variant in disease conclusively. Therefore, this variant is classified as a Variant of Uncertain Significance.

Fulgent Genetics
Classification: Uncertain significance for Familial cancer of breast; Ataxia-telangiectasia syndrome. Last evaluated: 2024-01-24. Review status: criteria provided, single submitter. Criteria: ACMG Guidelines, 2015. Collection method: clinical testing. Allele origin: germline.

Quest Diagnostics Nichols Institute San Juan Capistrano
Classification: Uncertain significance. Last evaluated: 2023-12-18. Review status: criteria provided, single submitter. Criteria: Quest Diagnostics criteria. Collection method: clinical testing. Allele origin: unknown.

Women's Health and Genetics/Laboratory Corporation of America, LabCorp
Classification: Uncertain significance. Last evaluated: 2019-08-26. Review status: criteria provided, single submitter. Criteria: LabCorp Variant Classification Summary - May 2015. Collection method: clinical testing. Allele origin: germline.
Comment: Variant summary: ATM c.4477C>T (p.Leu1493Phe) results in a non-conservative amino acid change in the encoded protein sequence. Four of five in-silico tools predict a damaging effect of the variant on protein function. The variant allele was found at a frequency of 1.6e-05 in 251330 control chromosomes, predominantly at a frequency of 0.00025 within the African or African-American subpopulation in the gnomAD database. The available data on variant occurrences in the general population are insufficient to allow any conclusion about variant significance. To our knowledge, no occurrence of c.4477C>T in individuals affected with Ataxia-Telangiectasia and no experimental evidence demonstrating an impact on protein function have been reported. Five submitters have provided clinical-significance assessments for this variant to ClinVar (evaluation after 2014) and cited the variant as uncertain significance. Based on the evidence outlined above, the variant was classified as uncertain significance.

Natera, Inc.
Classification: Uncertain significance for Ataxia-telangiectasia. Last evaluated: 2020-03-20. Review status: no assertion criteria provided. Collection method: clinical testing. Allele origin: germline. Not counted in ClinVar's aggregate classification.

Counsyl
Classification: Uncertain significance for Ataxia-telangiectasia syndrome. Last evaluated: 2017-11-01. Review status: no assertion criteria provided. Collection method: clinical testing. Allele origin: unknown. Not counted in ClinVar's aggregate classification.

Literature cited by the submitters: PubMed 35534704 (cited by Labcorp Genetics (formerly Invitae), Labcorp and Quest Diagnostics Nichols Institute San Juan Capistrano); PubMed 25085752 (cited by Myriad Genetics, Inc.).

NM_000051.4(ATM):c.4477C>T (p.Leu1493Phe)

Gene: ATM (ATM serine/threonine kinase; plus strand). Cytogenetic location: 11q22.3.
Variant type: single nucleotide variant.
Coding change: c.4477C>T on transcript NM_000051.4 (MANE Select); coding-DNA position 4477, C replaced by T.
Protein change: p.Leu1493Phe; replaces leucine 1493 with phenylalanine.
Molecular consequence: missense variant.
Genome position (GRCh38, 1-based): chr11:108,292,659, C>T. VCF-style: chr11-108292659-C-T. GRCh37 (hg19) VCF-style: chr11-108163386-C-T.
Other names: c.4477C>T, p.Leu1493Phe (NM_001351834.2); short protein forms L1493F.
Identifiers: ClinVar variation 143012 (VCV000143012.39), dbSNP rs377595814, ClinGen allele CA170018.